The following is an entry in ClinVar:

ClinVar aggregate classification (germline): Uncertain significance (1 of 4 stars; one submission).

Conditions:
Left ventricular noncompaction 8 (LVNC8). Identifiers: Orphanet 154, Orphanet 54260, MedGen C3809288, MONDO:0014152, OMIM 615373.

gnomAD v4.1: 9 of 1,614,040 alleles (0.00056%); highest among the groups gnomAD compares: East Asian, 0.02%; no homozygotes.

Submission:

Labcorp Genetics (formerly Invitae), Labcorp
Classification: Uncertain significance for Left ventricular noncompaction 8. Last evaluated: 2025-06-22. Review status: criteria provided, single submitter. Criteria: Invitae Variant Classification Sherloc (09022015). Collection method: clinical testing. Allele origin: germline.
Comment: This sequence change replaces alanine, which is neutral and non-polar, with proline, which is neutral and non-polar, at codon 458 of the PRDM16 protein (p.Ala458Pro). This variant is present in population databases (rs771526725, gnomAD 0.04%). This variant has not been reported in the literature in individuals affected with PRDM16-related conditions. An algorithm developed to predict the effect of missense changes on protein structure and function outputs the following: PolyPhen-2: "Benign". The proline amino acid residue is found in multiple mammalian species, which suggests that this missense change does not adversely affect protein function. In summary, the available evidence is currently insufficient to determine the role of this variant in disease. Therefore, it has been classified as a Variant of Uncertain Significance.

NM_022114.4(PRDM16):c.1372G>C (p.Ala458Pro)

Gene: PRDM16 (PR/SET domain 16; plus strand). Cytogenetic location: 1p36.32.
Variant type: single nucleotide variant.
Coding change: c.1372G>C on transcript NM_022114.4 (MANE Select); coding-DNA position 1372, G replaced by C.
Protein change: p.Ala458Pro; replaces alanine 458 with proline.
Molecular consequence: missense variant.
Genome position (GRCh38, 1-based): chr1:3,411,569, G>C. VCF-style: chr1-3411569-G-C. GRCh37 (hg19) VCF-style: chr1-3328133-G-C.
Other names: c.1372G>C, p.Ala458Pro (NM_199454.3); short protein forms A458P.
Identifiers: ClinVar variation 4799348 (VCV004799348.1).
Genomic context (GRCh38, chr1:3,411,569, plus strand): 5'-CTCAACAAGCACCGGCGCTTCTGCGAGGGCAAGAACCATTACACGCCGGGCGGCATCTTT[G>C]CCCCGGGCCTGCCCTTGACCCCCAGCCCCATGATGGACAAGGCAAAACCCTCCCCCAGCC-3'
Protein context (NP_071397.3, residues 448-468): KNHYTPGGIF[Ala458Pro]PGLPLTPSPM